The following is an entry in ClinVar:

NM_001040142.2(SCN2A):c.4260G>A (p.Thr1420=)

Gene: SCN2A (sodium voltage-gated channel alpha subunit 2; plus strand). Cytogenetic location: 2q24.3.
Variant type: single nucleotide variant.
Coding change: c.4260G>A on transcript NM_001040142.2 (MANE Select); coding-DNA position 4260, G replaced by A.
Protein change: p.Thr1420=; no amino-acid change (threonine 1420 retained).
Molecular consequence: synonymous variant.
Genome position (GRCh38, 1-based): chr2:165,377,602, G>A. VCF-style: chr2-165377602-G-A. GRCh37 (hg19) VCF-style: chr2-166234112-G-A.
Other names: c.4260G>A, p.Thr1420= (NM_001040143.2, NM_001371246.1, NM_001371247.1 and 1 more transcripts).
Identifiers: ClinVar variation 509390 (VCV000509390.42), dbSNP rs138241682, ClinGen allele CA1940249.

ClinVar aggregate classification (germline): Likely benign. Review status: criteria provided, multiple submitters, no conflicts (2 of 4 stars). 3 submissions from 3 submitters: Likely benign (3). Last evaluated 2025-08-07.

Conditions:
Seizures, benign familial infantile, 3 (BFIS3). Also called: Familial neonatal seizures; CONVULSIONS, BENIGN FAMILIAL INFANTILE, 3. Identifiers: Orphanet 140927, Orphanet 306, MedGen C1843140, MONDO:0011904, OMIM 607745.
Developmental and epileptic encephalopathy, 11 (DEE11). Also called: Early infantile epileptic encephalopathy 11. Identifiers: Orphanet 1934, MedGen C3150987, MONDO:0013388, OMIM 613721.

Allele frequency attached by ClinVar (database versions not stated): TOPMed 0.00003; ESP Exome Variant Server 0.00008.
gnomAD v4.1: 44 of 1,605,700 alleles (0.0027%); highest among the groups gnomAD compares: East Asian, 0.027%; no homozygotes.

Submissions (3):

Labcorp Genetics (formerly Invitae), Labcorp
Classification: Likely benign for Seizures, benign familial infantile, 3; Developmental and epileptic encephalopathy, 11. Last evaluated: 2025-08-07. Review status: criteria provided, single submitter. Criteria: Invitae Variant Classification Sherloc (09022015). Collection method: clinical testing. Allele origin: germline.

CeGaT Center for Human Genetics Tuebingen
Classification: Likely benign. Last evaluated: 2022-04-01. Review status: criteria provided, single submitter. Criteria: CeGaT Center For Human Genetics Tuebingen Variant Classification Criteria Version 2. Collection method: clinical testing. Allele origin: germline. Affected: yes. Observed: 1 variant allele.
Comment: SCN2A: BP4, BP7

GeneDx
Classification: Likely benign. Last evaluated: 2021-05-06. Review status: criteria provided, single submitter. Criteria: GeneDx Variant Classification Process June 2021. Collection method: clinical testing. Allele origin: germline. Affected: yes.